The following is an entry in ClinVar:

ClinVar aggregate classification (germline): Uncertain significance (0 of 4 stars; one submission).

Conditions:
BBS4-related disorder. Also called: BBS4-related condition.

gnomAD v4.1: 1 of 1,604,020 alleles (0.000062%); highest among the groups gnomAD compares: Non-Finnish European, 0.000085%; no homozygotes.

Submission:

PreventionGenetics, part of Exact Sciences
Classification: Uncertain significance for BBS4-related condition. Last evaluated: 2024-07-16. Review status: no assertion criteria provided. Collection method: clinical testing. Allele origin: germline.
Comment: The BBS4 c.25-3C>T variant is predicted to interfere with splicing. To our knowledge, this variant has not been reported in the literature or in a large population database, indicating this variant is rare. At this time, the clinical significance of this variant is uncertain due to the absence of conclusive functional and genetic evidence.

NM_033028.5(BBS4):c.25-3C>T

Gene: BBS4 (Bardet-Biedl syndrome 4; plus strand). Cytogenetic location: 15q24.1.
Variant type: single nucleotide variant.
Coding change: c.25-3C>T on transcript NM_033028.5 (MANE Select); 3 bases into the intron before coding-DNA position 25, C replaced by T.
Molecular consequence: intron variant.
Genome position (GRCh38, 1-based): chr15:72,695,174, C>T. VCF-style: chr15-72695174-C-T. GRCh37 (hg19) VCF-style: chr15-72987515-C-T.
Other names: c.25-3C>T (NM_001320665.2); c.-446+8923C>T (NM_001252678.2).
Identifiers: ClinVar variation 3344628 (VCV003344628.1).
Genomic context (GRCh38, chr15:72,695,174, plus strand): 5'-GCTTCTTTAAGTTAGCAAGTTTATATTGTGGTGCTTCAATATAGACTACTTATTTCATTT[C>T]AGAGAACTCAATTTCCTGTATCTACTGAGTCTCAAAAACCCCGGCAGAAAAAAGGTCTGT-3'